The following is an entry in ClinVar:

NM_001369.3(DNAH5):c.11884-1G>C

Gene: DNAH5 (dynein axonemal heavy chain 5; minus strand). Cytogenetic location: 5p15.2.
Variant type: single nucleotide variant.
Coding change: c.11884-1G>C on transcript NM_001369.3 (MANE Select); the canonical splice acceptor site of the intron before coding-DNA position 11884, G replaced by C.
Molecular consequence: splice acceptor variant.
Genome position (GRCh38, 1-based): chr5:13,727,657, C>G on the plus strand (G>C on the coding strand, the complement: DNAH5 is on the minus strand). VCF-style: chr5-13727657-C-G. GRCh37 (hg19) VCF-style: chr5-13727766-C-G.
Identifiers: ClinVar variation 2705935 (VCV002705935.3), dbSNP rs2546542315, ClinGen allele CA359218421.

ClinVar aggregate classification (germline): Likely pathogenic (1 of 4 stars; one submission).

Conditions:
Primary ciliary dyskinesia. Also called: Ciliary dyskinesia. Identifiers: Orphanet 244, MedGen C0008780, MONDO:0016575, HP:0012265.

Submission:

Labcorp Genetics (formerly Invitae), Labcorp
Classification: Likely pathogenic for Primary ciliary dyskinesia. Last evaluated: 2023-12-27. Review status: criteria provided, single submitter. Criteria: Invitae Variant Classification Sherloc (09022015). Collection method: clinical testing. Allele origin: germline.
Comment: This sequence change affects an acceptor splice site in intron 69 of the DNAH5 gene. It is expected to disrupt RNA splicing. Variants that disrupt the donor or acceptor splice site typically lead to a loss of protein function (PMID: 16199547), and loss-of-function variants in DNAH5 are known to be pathogenic (PMID: 11788826, 16627867). This variant is not present in population databases (gnomAD no frequency). This variant has not been reported in the literature in individuals affected with DNAH5-related conditions. Algorithms developed to predict the effect of sequence changes on RNA splicing suggest that this variant may disrupt the consensus splice site. In summary, the currently available evidence indicates that the variant is pathogenic, but additional data are needed to prove that conclusively. Therefore, this variant has been classified as Likely Pathogenic.

Literature cited by the submitters: PubMed 16199547; PubMed 11788826; PubMed 16627867.